The following is an entry in ClinVar:

NM_144997.7(FLCN):c.871+153G>A

Gene: FLCN (folliculin; minus strand). Cytogenetic location: 17p11.2.
Variant type: single nucleotide variant.
Coding change: c.871+153G>A on transcript NM_144997.7 (MANE Select); 153 bases into the intron after coding-DNA position 871, G replaced by A.
Molecular consequence: intron variant. On other transcripts: missense variant (1).
Genome position (GRCh38, 1-based): chr17:17,221,384, C>T on the plus strand (G>A on the coding strand, the complement: FLCN is on the minus strand). VCF-style: chr17-17221384-C-T. GRCh37 (hg19) VCF-style: chr17-17124698-C-T.
Other names: c.1024G>A, p.Val342Met (NM_144606.7); c.871+153G>A (NM_001353231.2, NM_001353230.2); c.925+153G>A (NM_001353229.2); short protein forms V342M.
Identifiers: ClinVar variation 3353063 (VCV003353063.1).

ClinVar aggregate classification (germline): Likely benign (0 of 4 stars; one submission).

Conditions:
FLCN-related disorder. Also called: FLCN-related condition.

gnomAD v4.1: 31 of 1,611,962 alleles (0.0019%); highest among the groups gnomAD compares: East Asian, 0.067%; no homozygotes.

Submission:

PreventionGenetics, part of Exact Sciences
Classification: Likely benign for FLCN-related condition. Last evaluated: 2024-09-26. Review status: no assertion criteria provided. Collection method: clinical testing. Allele origin: germline.
Comment: This variant is classified as likely benign based on ACMG/AMP sequence variant interpretation guidelines (Richards et al. 2015 PMID: 25741868, with internal and published modifications).